The following is an entry in ClinVar:

ClinVar aggregate classification (germline): Uncertain significance (1 of 4 stars; one submission).

Conditions:
Long QT syndrome (LQTS). Identifiers: MedGen C0023976, MeSH D008133, MONDO:0002442. Disease mechanism: loss of function. Inheritance: Various modes of inheritance.

Allele frequency attached by ClinVar (database versions not stated): gnomAD exomes below 0.00001; ExAC 0.00001; ESP Exome Variant Server 0.00008.
gnomAD v4.1: 2 of 1,613,286 alleles (0.00012%); highest among the groups gnomAD compares: Non-Finnish European, 0.000085%; no homozygotes.

Submission:

Labcorp Genetics (formerly Invitae), Labcorp
Classification: Uncertain significance for Long QT syndrome. Last evaluated: 2023-06-09. Review status: criteria provided, single submitter. Criteria: Invitae Variant Classification Sherloc (09022015). Collection method: clinical testing. Allele origin: germline.
Comment: In summary, the available evidence is currently insufficient to determine the role of this variant in disease. Therefore, it has been classified as a Variant of Uncertain Significance. Advanced modeling of protein sequence and biophysical properties (such as structural, functional, and spatial information, amino acid conservation, physicochemical variation, residue mobility, and thermodynamic stability) performed at Invitae indicates that this missense variant is not expected to disrupt CACNA1C protein function. ClinVar contains an entry for this variant (Variation ID: 1418249). This variant has not been reported in the literature in individuals affected with CACNA1C-related conditions. This variant is present in population databases (rs373085638, gnomAD no frequency). This sequence change replaces asparagine, which is neutral and polar, with aspartic acid, which is acidic and polar, at codon 222 of the CACNA1C protein (p.Asn222Asp).

NM_000719.7(CACNA1C):c.664A>G (p.Asn222Asp)

Gene: CACNA1C (calcium voltage-gated channel subunit alpha1 C; plus strand). Cytogenetic location: 12p13.33.
Variant type: single nucleotide variant.
Coding change: c.664A>G on transcript NM_000719.7 (MANE Select); coding-DNA position 664, A replaced by G.
Protein change: p.Asn222Asp; replaces asparagine 222 with aspartic acid.
Molecular consequence: missense variant.
Genome position (GRCh38, 1-based): chr12:2,457,613, A>G. VCF-style: chr12-2457613-A-G. GRCh37 (hg19) VCF-style: chr12-2566779-A-G.
Other names: c.664A>G, p.Asn222Asp (NM_001129827.2, NM_001129829.2, NM_001129830.3 and 19 more transcripts); short protein forms N222D.
Identifiers: ClinVar variation 1418249 (VCV001418249.8), dbSNP rs373085638, ClinGen allele CA6388503.